The following is an entry in ClinVar:

NM_001376.5(DYNC1H1):c.9577G>A (p.Glu3193Lys)

Gene: DYNC1H1 (dynein cytoplasmic 1 heavy chain 1; plus strand). Cytogenetic location: 14q32.31.
Variant type: single nucleotide variant.
Coding change: c.9577G>A on transcript NM_001376.5 (MANE Select); coding-DNA position 9577, G replaced by A.
Protein change: p.Glu3193Lys; replaces glutamic acid 3193 with lysine.
Molecular consequence: missense variant.
Genome position (GRCh38, 1-based): chr14:102,029,647, G>A. VCF-style: chr14-102029647-G-A. GRCh37 (hg19) VCF-style: chr14-102495984-G-A.
Other names: short protein forms E3193K.
Identifiers: ClinVar variation 580247 (VCV000580247.8), dbSNP rs1567017804, ClinGen allele CA391015932.

ClinVar aggregate classification (germline): Uncertain significance (1 of 4 stars; one submission).

Conditions:
Charcot-Marie-Tooth disease axonal type 2O. Also called: CHARCOT-MARIE-TOOTH NEUROPATHY, AXONAL, TYPE 2O; CHARCOT-MARIE-TOOTH DISEASE, AXONAL, AUTOSOMAL DOMINANT, TYPE 2O; Charcot-Marie-Tooth Neuropathy Type 2O; Charcot-Marie-Tooth disease, axonal, type 20. Identifiers: Orphanet 284232, MedGen C3280220, MONDO:0013644, OMIM 614228.

Allele frequency attached by ClinVar (database versions not stated): gnomAD exomes below 0.00001.
gnomAD v4.1: 1 of 1,614,224 alleles (0.000062%); highest among the groups gnomAD compares: Non-Finnish European, 0.000085%; no homozygotes.

Submission:

Labcorp Genetics (formerly Invitae), Labcorp
Classification: Uncertain significance for Charcot-Marie-Tooth disease axonal type 2O. Last evaluated: 2022-07-19. Review status: criteria provided, single submitter. Criteria: Invitae Variant Classification Sherloc (09022015). Collection method: clinical testing. Allele origin: germline.
Comment: This sequence change replaces glutamic acid, which is acidic and polar, with lysine, which is basic and polar, at codon 3193 of the DYNC1H1 protein (p.Glu3193Lys). This variant is not present in population databases (gnomAD no frequency). This variant has not been reported in the literature in individuals affected with DYNC1H1-related conditions. ClinVar contains an entry for this variant (Variation ID: 580247). Advanced modeling of protein sequence and biophysical properties (such as structural, functional, and spatial information, amino acid conservation, physicochemical variation, residue mobility, and thermodynamic stability) performed at Invitae indicates that this missense variant is not expected to disrupt DYNC1H1 protein function. In summary, the available evidence is currently insufficient to determine the role of this variant in disease. Therefore, it has been classified as a Variant of Uncertain Significance.